The following is an entry in ClinVar:

ClinVar aggregate classification (germline): Uncertain significance. Review status: criteria provided, multiple submitters, no conflicts (2 of 4 stars). 2 submissions from 2 submitters: Uncertain significance (2). Last evaluated 2025-12-26.

Conditions:
Inborn genetic diseases. Identifiers: MedGen C0950123, MeSH D030342.

gnomAD v4.1: 2 of 1,614,036 alleles (0.00012%); highest among the groups gnomAD compares: African/African-American, 0.0027%; no homozygotes.

Submissions (2):

Women's Health and Genetics/Laboratory Corporation of America, LabCorp
Classification: Uncertain significance. Last evaluated: 2025-12-26. Review status: criteria provided, single submitter. Criteria: LabCorp Variant Classification Summary - May 2015. Collection method: clinical testing. Allele origin: germline.
Comment: Variant summary: ARHGAP31 c.2242G>C (p.Asp748His) results in a non-conservative amino acid change in the encoded protein sequence. Algorithms developed to predict the effect of missense changes on protein structure and function are either unavailable or do not agree on the potential impact of this missense change. The variant was absent in 249184 control chromosomes. The available data on variant occurrences in the general population are insufficient to allow any conclusion about variant significance. To our knowledge, no occurrence of c.2242G>C in individuals affected with ARHGAP31-related conditions and no experimental evidence demonstrating its impact on protein function have been reported. No submitters have cited clinical-significance assessments for this variant to ClinVar. Based on the evidence outlined above, the variant was classified as uncertain significance.

Ambry Genetics
Classification: Uncertain significance for Inborn genetic diseases. Last evaluated: 2025-10-22. Review status: criteria provided, single submitter. Criteria: Ambry Variant Classification Scheme 2023. Collection method: clinical testing. Allele origin: germline.

NM_020754.4(ARHGAP31):c.2242G>C (p.Asp748His)

Gene: ARHGAP31 (Rho GTPase activating protein 31; plus strand). Cytogenetic location: 3q13.33.
Variant type: single nucleotide variant.
Coding change: c.2242G>C on transcript NM_020754.4 (MANE Select); coding-DNA position 2242, G replaced by C.
Protein change: p.Asp748His; replaces aspartic acid 748 with histidine.
Molecular consequence: missense variant.
Genome position (GRCh38, 1-based): chr3:119,414,171, G>C. VCF-style: chr3-119414171-G-C. GRCh37 (hg19) VCF-style: chr3-119133018-G-C.
Other names: short protein forms D748H.
Identifiers: ClinVar variation 4584244 (VCV004584244.2).